The following is an entry in ClinVar:

NM_004429.5(EFNB1):c.326G>A (p.Arg109His)

Gene: EFNB1 (ephrin B1; plus strand). Cytogenetic location: Xq13.1.
Variant type: single nucleotide variant.
Coding change: c.326G>A on transcript NM_004429.5 (MANE Select); coding-DNA position 326, G replaced by A.
Protein change: p.Arg109His; replaces arginine 109 with histidine.
Molecular consequence: missense variant.
Genome position (GRCh38, 1-based): chrX:68,838,814, G>A. VCF-style: chrX-68838814-G-A. GRCh37 (hg19) VCF-style: chrX-68058657-G-A.
Other names: short protein forms R109H.
Identifiers: ClinVar variation 3029914 (VCV003029914.2), dbSNP rs747219481, ClinGen allele CA10438130.

ClinVar aggregate classification (germline): Uncertain significance (0 of 4 stars; one submission).

Conditions:
EFNB1-related disorder. Also called: EFNB1-related condition.

Allele frequency attached by ClinVar (database versions not stated): gnomAD exomes below 0.00001; ExAC 0.00002.

Submission:

PreventionGenetics, part of Exact Sciences
Classification: Uncertain significance for EFNB1-related condition. Last evaluated: 2023-11-24. Review status: no assertion criteria provided. Collection method: clinical testing. Allele origin: germline.
Comment: The EFNB1 c.326G>A variant is predicted to result in the amino acid substitution p.Arg109His. To our knowledge, this variant has not been reported in the literature in individuals with EFNB1-related disorders. The c.326G>A p.Arg109His variant is reported in one hemizygous individual of European (Non-Finnish) descent in gnomAD v2.1.1 and in one heterozygous individual of European (Non-Finnish) descent and three hemizygous individuals of European (Non-Finnish) and South Asian descent in gnomAD v4.0.0. Of note, while carrier males are usually reported to be mildly affected, they are suggested to be underrepresented in families with craniofrontonasal dysplasia (Twigg et al. 2006. PubMed ID: 16685650). At this time, the clinical significance of this variant is uncertain due to the absence of conclusive functional and genetic evidence.